The following is an entry in ClinVar:

NM_033400.3(ZFHX2):c.7554C>T (p.Ala2518=)

Genes: THTPA (thiamine triphosphatase; plus strand), ZFHX2 (zinc finger homeobox 2; minus strand). Cytogenetic location: 14q11.2.
Variant type: single nucleotide variant.
Coding change: c.7554C>T on transcript NM_033400.3 (MANE Select); coding-DNA position 7554, C replaced by T.
Protein change: p.Ala2518=; no amino-acid change (alanine 2518 retained).
Molecular consequence: synonymous variant.
Genome position (GRCh38, 1-based): chr14:23,522,127, G>A on the plus strand (C>T on the coding strand, the complement: ZFHX2 is on the minus strand). VCF-style: chr14-23522127-G-A. GRCh37 (hg19) VCF-style: chr14-23991336-G-A.
Identifiers: ClinVar variation 3389616 (VCV003389616.14).

ClinVar aggregate classification (germline): Likely benign (1 of 4 stars; one submission).

gnomAD v4.1: 1 of 1,530,324 alleles (0.000065%); highest among the groups gnomAD compares: Non-Finnish European, 0.000087%; no homozygotes.

Submission:

CeGaT Center for Human Genetics Tuebingen
Classification: Likely benign. Last evaluated: 2024-09-01. Review status: criteria provided, single submitter. Criteria: CeGaT Center For Human Genetics Tuebingen Variant Classification Criteria Version 2. Collection method: clinical testing. Allele origin: germline. Affected: yes. Observed: 1 variant allele.
Comment: ZFHX2: BP4, BP7